The following is an entry in ClinVar:

ClinVar aggregate classification (germline): Conflicting classifications of pathogenicity. Review status: criteria provided, conflicting classifications (1 of 4 stars). 4 submissions from 4 submitters: Uncertain significance (1); Likely benign (3). Last evaluated 2025-12-01.

Conditions:
Autosomal recessive limb-girdle muscular dystrophy type 2J (LGMDR10). Also called: Limb-girdle muscular dystrophy, type 2J; MUSCULAR DYSTROPHY, LIMB-GIRDLE, AUTOSOMAL RECESSIVE 10. Identifiers: Orphanet 140922, MedGen C1837342, MONDO:0012127, OMIM 608807.
Dilated cardiomyopathy 1G (CMD1G). Identifiers: Orphanet 154, MedGen C1858763, MONDO:0011400, OMIM 604145.

Allele frequency attached by ClinVar (database versions not stated): gnomAD exomes 0.00001 and 0.00003; ExAC 0.00002; TOPMed 0.00002; gnomAD 0.00003; ESP Exome Variant Server 0.00008.
gnomAD v4.1: 49 of 1,612,222 alleles (0.003%); highest among the groups gnomAD compares: Non-Finnish European, 0.0038%; no homozygotes.

Submissions (4):

CeGaT Center for Human Genetics Tuebingen
Classification: Uncertain significance. Last evaluated: 2025-12-01. Review status: criteria provided, single submitter. Criteria: CeGaT Center For Human Genetics Tuebingen Variant Classification Criteria Version 2. Collection method: clinical testing. Allele origin: germline. Affected: yes. Observed: 2 variant alleles.
Comment: TTN: PM2, BP4

Labcorp Genetics (formerly Invitae), Labcorp
Classification: Likely benign for Dilated cardiomyopathy 1G; Autosomal recessive limb-girdle muscular dystrophy type 2J. Last evaluated: 2025-11-28. Review status: criteria provided, single submitter. Criteria: Invitae Variant Classification Sherloc (09022015). Collection method: clinical testing. Allele origin: germline.

Women's Health and Genetics/Laboratory Corporation of America, LabCorp
Classification: Likely benign. Last evaluated: 2025-10-13. Review status: criteria provided, single submitter. Criteria: LabCorp Variant Classification Summary - May 2015. Collection method: clinical testing. Allele origin: germline.

Blueprint Genetics
Classification: Likely benign. Last evaluated: 2022-06-28. Review status: criteria provided, single submitter. Criteria: ACMG Guidelines, 2015. Collection method: clinical testing. Allele origin: germline.

NM_001267550.2(TTN):c.95416+8T>C

Genes: TTN (titin; minus strand), TTN-AS1 (TTN antisense RNA 1; plus strand). Cytogenetic location: 2q31.2.
Variant type: single nucleotide variant.
Coding change: c.95416+8T>C on transcript NM_001267550.2 (MANE Select); 8 bases into the intron after coding-DNA position 95416, T replaced by C.
Molecular consequence: intron variant.
Genome position (GRCh38, 1-based): chr2:178,545,812, A>G on the plus strand (T>C on the coding strand, the complement: TTN is on the minus strand). VCF-style: chr2-178545812-A-G. GRCh37 (hg19) VCF-style: chr2-179410539-A-G.
Other names: c.68221+8T>C (NM_003319.4); c.68797+8T>C (NM_133437.4); c.68596+8T>C (NM_133432.3); c.87712+8T>C (NM_133378.4); c.90493+8T>C (NM_001256850.1).
Identifiers: ClinVar variation 1108515 (VCV001108515.19), dbSNP rs373857496, ClinGen allele CA1986961.